The following is an entry in ClinVar:

NM_001318852.2(MAPK8IP3):c.2492G>A (p.Ser831Asn)

Gene: MAPK8IP3 (mitogen-activated protein kinase 8 interacting protein 3; plus strand). Cytogenetic location: 16p13.3.
Variant type: single nucleotide variant.
Coding change: c.2492G>A on transcript NM_001318852.2 (MANE Select); coding-DNA position 2492, G replaced by A.
Protein change: p.Ser831Asn; replaces serine 831 with asparagine.
Molecular consequence: missense variant.
Genome position (GRCh38, 1-based): chr16:1,766,005, G>A. VCF-style: chr16-1766005-G-A. GRCh37 (hg19) VCF-style: chr16-1816006-G-A.
Other names: c.2471G>A, p.Ser824Asn (NM_001040439.2); c.2489G>A, p.Ser830Asn (NM_015133.5); short protein forms S824N, S831N, S830N.
Identifiers: ClinVar variation 3870488 (VCV003870488.3).

ClinVar aggregate classification (germline): Uncertain significance. Review status: criteria provided, multiple submitters, no conflicts (2 of 4 stars). 2 submissions from 2 submitters: Uncertain significance (2). Last evaluated 2024-12-14.

Conditions:
Inborn genetic diseases. Identifiers: MedGen C0950123, MeSH D030342.

Submissions (2):

Ambry Genetics
Classification: Uncertain significance for Inborn genetic diseases. Last evaluated: 2024-12-14. Review status: criteria provided, single submitter. Criteria: Ambry Variant Classification Scheme 2023. Collection method: clinical testing. Allele origin: germline.

Dasa
Classification: Uncertain significance. Last evaluated: 2024-12-09. Review status: criteria provided, single submitter. Criteria: DASA Assertion Criteria. Collection method: clinical testing. Allele origin: germline.
Comment: NM_001318852.2(MAPK8IP3):c.2492G>A (p.Ser831Asn) is a missense variant that results in the substitution of serine with asparagine. This variant is absent from population databases. Computational prediction algorithms are consistent with a benign effect. The currently available literature and clinical evidence are not sufficient to establish a definitive association between this variant and the reported condition. Therefore, this variant is classified as a variant of uncertain significance.